The following is an entry in ClinVar:

NM_004444.5(EPHB4):c.546_547inv (p.Ala183Thr)

Gene: EPHB4 (EPH receptor B4; minus strand). Cytogenetic location: 7q22.1.
Variant type: Inversion.
Coding change: c.546_547inv on transcript NM_004444.5 (MANE Select).
Protein change: p.Ala183Thr; replaces alanine 183 with threonine.
Molecular consequence: missense variant.
Genome position: GRCh38 VCF-style: chr7-100822532-CA-TG. GRCh37 (hg19) VCF-style: chr7-100420154-CA-TG.
Other names: short protein forms A183T.
Identifiers: ClinVar variation 4974621 (VCV004974621.1).
Genomic context (GRCh38, chr7:100,822,532, plus strand): 5'-TCACAGTCAGCTGGGCGCACTTTTTGTAGAAGAGGTGCAGGGATAGCAGGGCCATGCAGG[CA>TG]CCCTGGTCCTGGAAGGCCAGGTAGAAGCCAGCCTTGCTGAGCGGTCCCAGACGCAGCGTC-3'
Protein context (NP_004435.3, residues 173-193): GFYLAFQDQG[Ala183Thr]CMALLSLHLF

ClinVar aggregate classification (germline): Uncertain significance (1 of 4 stars; one submission).

Conditions:
Lymphatic malformation 7 (LMPHM7). Also called: Hydrops fetalis, nonimmune, and/or atrial septal defect, susceptibility to. Identifiers: MedGen C4310629, MONDO:0015009, OMIM 617300.
Capillary malformation-arteriovenous malformation 2 (CMAVM2). Identifiers: Orphanet 693912, MedGen C4748670, MONDO:0020785, OMIM 618196.

Submission:

Clinical Genomics Laboratory, Washington University in St. Louis
Classification: Uncertain significance for Capillary malformation-arteriovenous malformation 2; Lymphatic malformation 7. Last evaluated: 2026-02-03. Review status: criteria provided, single submitter. Criteria: ACMG Guidelines, 2015. Collection method: clinical testing. Allele origin: germline.
Comment: An EPHB4 c.546_547inv (p.Ala183Thr) variant was identified at a near heterozygous allelic fraction of 48%, a frequency which may be consistent with germline origin. This variant, to our knowledge, has not been reported in the medical literature. It is absent from the general population (gnomAD v4.1.0), indicating it is not a common variant. The same amino acid change (p.Ala183Thr), due to a different nucleotide change (c.547G>A) has been reported in the ClinVar database as a germline variant of uncertain significance by one submitter (ClinVar Variation ID: 4018798). Due to limited information, and based on ACMG/AMP guidelines for variant interpretation (Richards S et al., PMID: 25741868), the clinical significance of this variant is uncertain at this time.

Literature cited by the submitters: uncertain.